The following is an entry in ClinVar:

ClinVar aggregate classification (germline): Uncertain significance (1 of 4 stars; one submission).

Conditions:
TTN-related disorder. Also called: TTN-related condition; TTN-related disease; TTN-related disorders.

Allele frequency attached by ClinVar (database versions not stated): ExAC 0.00001; gnomAD 0.00001; gnomAD exomes 0.00002; TOPMed 0.00002.
gnomAD v4.1: 27 of 1,612,710 alleles (0.0017%); highest among the groups gnomAD compares: East Asian, 0.0045%; no homozygotes.

Submission:

PreventionGenetics, part of Exact Sciences
Classification: Uncertain significance for TTN-related condition. Last evaluated: 2022-10-17. Review status: criteria provided, single submitter. Criteria: ACMG Guidelines, 2015. Collection method: clinical testing. Allele origin: germline.
Comment: The TTN c.11927C>T variant is predicted to result in the amino acid substitution p.Thr3976Met. To our knowledge, this variant has not been reported in the literature. This variant is reported in 0.0046% of alleles in individuals of European (Finnish) descent in gnomAD. At this time, the clinical significance of this variant is uncertain due to the absence of conclusive functional and genetic evidence.

NM_001267550.2(TTN):c.11311+2651C>T

Gene: TTN (titin; minus strand). Cytogenetic location: 2q31.2.
Variant type: single nucleotide variant.
Coding change: c.11311+2651C>T on transcript NM_001267550.2 (MANE Select); 2651 bases into the intron after coding-DNA position 11311, C replaced by T.
Molecular consequence: intron variant. On other transcripts: missense variant (1).
Genome position (GRCh38, 1-based): chr2:178,750,473, G>A on the plus strand (C>T on the coding strand, the complement: TTN is on the minus strand). VCF-style: chr2-178750473-G-A. GRCh37 (hg19) VCF-style: chr2-179615200-G-A.
Other names: c.11927C>T, p.Thr3976Met (NM_133379.5); c.10222+2651C>T (NM_003319.4); c.10798+2651C>T (NM_133437.4); c.10597+2651C>T (NM_133432.3); c.10360+2651C>T (NM_133378.4, NM_001256850.1); short protein forms T3976M.
Identifiers: ClinVar variation 2636625 (VCV002636625.1), dbSNP rs774501889, ClinGen allele CA2003651.